The following is an entry in ClinVar:

NM_003742.4(ABCB11):c.3623A>G (p.Tyr1208Cys)

Gene: ABCB11 (ATP binding cassette subfamily B member 11; minus strand). Cytogenetic location: 2q31.1.
Variant type: single nucleotide variant.
Coding change: c.3623A>G on transcript NM_003742.4 (MANE Select); coding-DNA position 3623, A replaced by G.
Protein change: p.Tyr1208Cys; replaces tyrosine 1208 with cysteine.
Molecular consequence: missense variant.
Genome position (GRCh38, 1-based): chr2:168,924,799, T>C on the plus strand (A>G on the coding strand, the complement: ABCB11 is on the minus strand). VCF-style: chr2-168924799-T-C. GRCh37 (hg19) VCF-style: chr2-169781309-T-C.
Other names: c.3623A>G (NM_003742.2); short protein forms Y1208C.
Identifiers: ClinVar variation 4815278 (VCV004815278.3).
Genomic context (GRCh38, chr2:168,924,799, plus strand): 5'-GCAATGCGTTGTTTCTCCCCTCTAGAGAGTTGAGACCCCTGGGACCCAACGTTAGTTTCA[T>C]ATTTCTGAAAAAAAGTATGATAAGTTTGAGAAATAGAAACAGTTATTGCTCCTGTGCTGT-3'
Protein context (NP_003733.2, residues 1198-1218): HDFVMSLPEK[Tyr1208Cys]ETNVGSQGSQ

ClinVar aggregate classification (germline): Conflicting classifications of pathogenicity. Review status: criteria provided, conflicting classifications (1 of 4 stars). 3 submissions from 3 submitters: Likely pathogenic (2); Uncertain significance (1). Last evaluated 2026-04-14.

Conditions:
Familial intrahepatic cholestasis. Identifiers: Orphanet 284385, MedGen CN296401, MONDO:0017290.
Progressive familial intrahepatic cholestasis type 2. Identifiers: Orphanet 79304, MedGen C3489789, MONDO:0011156, OMIM 601847.
ABCB11-related disorder. Also called: ABCB11-related condition.

Submissions (3):

Genomenon, Inc
Classification: Uncertain significance for Familial intrahepatic cholestasis. Last evaluated: 2026-04-14. Review status: criteria provided, single submitter. Criteria: Genomenon Sequence Variant Interpretation Standards - Updated. Collection method: curation. Allele origin: germline. Affected: yes.
Comment: ABCB11 p.Tyr1208Cys (c.3623A>G) is a missense variant that changes the amino acid at residue 1208 from Tyrosine to Cysteine. This variant has been observed in at least one proband with an ABCB11-related disorder (PMID:27050426). The variant was found to segregate with disease in at least one affected family (PMID:27050426). It has been observed in trans with a pathogenic or likely pathogenic variant (PMID:27050426). It is absent or not present at a significant frequency in gnomAD. In silico models predict that this variant is possibly or probably damaging. In conclusion, we classify ABCB11 p.Tyr1208Cys (c.3623A>G) as a variant of uncertain significance.

PreventionGenetics, part of Exact Sciences
Classification: Likely pathogenic for ABCB11-related condition. Last evaluated: 2025-12-11. Review status: criteria provided, single submitter. Criteria: ACMG Guidelines, 2015. Collection method: clinical testing. Allele origin: germline.
Comment: The ABCB11 c.3623A>G variant is predicted to result in the amino acid substitution p.Tyr1208Cys. This variant has been reported in the compound heterozygous state with a pathogenic ABCB11 variant in three individuals with progressive familial intrahepatic cholestasis type 2 (PFIC2), including a pair of affected siblings (Li et al. 2015. PubMed ID: 26382629; Li et al. 2020. PubMed ID: 32808743). Immunostaining of biopsied liver tissue from both probands found absent canalicular expression of the bile salt export pump (BSEP) encoded by the ABCB11 gene (same studies). This variant has not been reported in a large population database (gnomAD), indicating it is rare. Taken together, we classify this variant as likely pathogenic.

Natera, Inc.
Classification: Likely pathogenic for Progressive familial intrahepatic cholestasis type 2. Last evaluated: 2024-07-23. Review status: criteria provided, single submitter. Criteria: Natera Variant Classification Schema (03/2026). Collection method: clinical testing. Allele origin: germline.
Comment: The c.3623A>G variant in ABCB11 is a missense variant predicted to cause substitution of tyrosine to cysteine at amino acid 1208. This variant is rare in the general population with a frequency below the threshold expected for the associated phenotype(s). This variant has been observed in one or more individuals affected with the associated recessive disease, as either homozygous or compound heterozygous with a second variant (PMID: 26382629, 32309332). Computational prediction algorithms indicate this variant is likely to affect gene or protein function. Given the available evidence, this variant is classified as Likely Pathogenic.

Literature cited by the submitters: PubMed 27050426 (cited by Genomenon, Inc); PubMed 26382629 (cited by Natera, Inc.); PubMed 32309332 (cited by Natera, Inc.).